The following is an entry in ClinVar:

ClinVar aggregate classification (germline): Likely benign. Review status: criteria provided, multiple submitters, no conflicts (2 of 4 stars). 2 submissions from 2 submitters: Likely benign (2). Last evaluated 2026-05-22.

Conditions:
ANKLE2-related disorder. Also called: ANKLE2-related condition.

Submissions (2):

PreventionGenetics, part of Exact Sciences
Classification: Likely benign for ANKLE2-related condition. Last evaluated: 2026-05-22. Review status: criteria provided, single submitter. Criteria: ACMG Guidelines, 2015. Collection method: clinical testing. Allele origin: germline.
Comment: This variant is classified as likely benign based on ACMG/AMP sequence variant interpretation guidelines (Richards et al. 2015 PMID: 25741868, with internal and published modifications).

Blueprint Genetics
Classification: Likely benign. Last evaluated: 2024-10-28. Review status: criteria provided, single submitter. Criteria: ACMG Guidelines, 2015. Collection method: clinical testing. Allele origin: germline.

NM_015114.3(ANKLE2):c.30G>A (p.Glu10=)

Gene: ANKLE2 (ankyrin repeat and LEM domain containing 2; minus strand). Cytogenetic location: 12q24.33.
Variant type: single nucleotide variant.
Coding change: c.30G>A on transcript NM_015114.3 (MANE Select); coding-DNA position 30, G replaced by A.
Protein change: p.Glu10=; no amino-acid change (glutamic acid 10 retained).
Molecular consequence: synonymous variant.
Genome position (GRCh38, 1-based): chr12:132,761,769, C>T on the plus strand (G>A on the coding strand, the complement: ANKLE2 is on the minus strand). VCF-style: chr12-132761769-C-T. GRCh37 (hg19) VCF-style: chr12-133338355-C-T.
Other names: c.30G>A (NM_015114.2).
Identifiers: ClinVar variation 4919276 (VCV004919276.2).